The following is an entry in ClinVar:

ClinVar aggregate classification (germline): Uncertain significance (1 of 4 stars; one submission).

Submission:

GeneDx
Classification: Uncertain significance. Last evaluated: 2020-10-20. Review status: criteria provided, single submitter. Criteria: GeneDx Variant Classification Process June 2021. Collection method: clinical testing. Allele origin: germline. Affected: yes.
Comment: Not observed in large population cohorts (Lek et al., 2016); In silico analysis supports that this missense variant has a deleterious effect on protein structure/function; Has not been previously published as pathogenic or benign to our knowledge

NM_021072.4(HCN1):c.1600G>A (p.Asp534Asn)

Gene: HCN1 (hyperpolarization activated cyclic nucleotide gated potassium channel 1; minus strand). Cytogenetic location: 5p12.
Variant type: single nucleotide variant.
Coding change: c.1600G>A on transcript NM_021072.4 (MANE Select); coding-DNA position 1600, G replaced by A.
Protein change: p.Asp534Asn; replaces aspartic acid 534 with asparagine.
Molecular consequence: missense variant.
Genome position (GRCh38, 1-based): chr5:45,303,617, C>T on the plus strand (G>A on the coding strand, the complement: HCN1 is on the minus strand). VCF-style: chr5-45303617-C-T. GRCh37 (hg19) VCF-style: chr5-45303719-C-T.
Other names: short protein forms D534N.
Identifiers: ClinVar variation 1313468 (VCV001313468.2), dbSNP rs2111904810, ClinGen allele CA359702358.